The following is an entry in ClinVar:

NM_003466.4(PAX8):c.1242C>T (p.Ser414=)

Gene: PAX8 (paired box 8; minus strand). Cytogenetic location: 2q14.1.
Variant type: single nucleotide variant.
Coding change: c.1242C>T on transcript NM_003466.4 (MANE Select); coding-DNA position 1242, C replaced by T.
Protein change: p.Ser414=; no amino-acid change (serine 414 retained).
Molecular consequence: synonymous variant. On other transcripts: missense variant (3).
Genome position (GRCh38, 1-based): chr2:113,220,126, G>A on the plus strand (C>T on the coding strand, the complement: PAX8 is on the minus strand). VCF-style: chr2-113220126-G-A. GRCh37 (hg19) VCF-style: chr2-113977703-G-A.
Other names: NC_000002.11:g.113977703G>A; c.1163C>T, p.Ala388Val (NM_013952.4); c.932C>T, p.Ala311Val (NM_013953.4); c.830C>T, p.Ala277Val (NM_013992.4); short protein forms A388V, A277V, A311V.
Identifiers: ClinVar variation 703030 (VCV000703030.8), dbSNP rs200817352, ClinGen allele CA1839911.
Genomic context (GRCh38, chr2:113,220,126, plus strand): 5'-AGGCCTGGGCAGCCCCAGGGACTTACTCAGCAAGCTGGAGTTGGGGAAGCGCCAGGCCTC[G>A]CTGTAGGAGGAGTAGGGGGTGTGGCCATAGGCATTGCCAGAGTATTCACTTCCTGTTGGA-3'
Protein context (NP_003457.1, residues 404-424): AYGHTPYSSY[Ser414=]EAWRFPNSSL

ClinVar aggregate classification (germline): Benign/Likely benign. Review status: criteria provided, multiple submitters, no conflicts (2 of 4 stars). 2 submissions from 2 submitters: Benign (1); Likely benign (1). Last evaluated 2018-07-20.

Conditions:
Hypothyroidism, congenital, nongoitrous, 2 (CHNG2). Also called: Hypothyroidism, congenital, due to thyroid dysgenesis or hypoplasia. Identifiers: Orphanet 95712, MedGen C1869118, MONDO:0024264, OMIM 218700.

Allele frequency attached by ClinVar (database versions not stated): ESP Exome Variant Server 0.00008; 1000 Genomes Project 30x 0.00016; 1000 Genomes Project 0.00020; gnomAD 0.00027 and 0.00029; TOPMed 0.00069; ExAC 0.00189.
gnomAD v4.1: 626 of 1,613,916 alleles (0.039%); highest among the groups gnomAD compares: Admixed American, 0.95%; 8 homozygotes.

Submissions (4):

Labcorp Genetics (formerly Invitae), Labcorp
Classification: Benign. Last evaluated: 2018-07-20. Review status: criteria provided, single submitter. Criteria: Invitae Variant Classification Sherloc (09022015). Collection method: clinical testing. Allele origin: germline.

Illumina Laboratory Services, Illumina
Classification: Likely benign for Hypothyroidism, congenital, nongoitrous, 2. Last evaluated: 2017-04-27. Review status: criteria provided, single submitter. Criteria: ICSL Variant Classification Criteria 13 December 2019. Collection method: clinical testing. Allele origin: germline.
Comment: This variant was observed as part of a predisposition screen in an ostensibly healthy population. A literature search was performed for the gene, cDNA change, and amino acid change (where applicable). No publications were found based on this search. Allele frequency data from public databases allowed determination this variant is unlikely to cause disease. Therefore, this variant is classified as likely benign.

Dr. Peter K. Rogan Lab, Western University
No classification provided (evidence only). Condition: Thyroid cancer, nonmedullary, 1. Review status: no classification provided. Collection method: in vitro. Allele origin: not applicable. Functional consequence: skipped exon, retained intron. Not counted in ClinVar's aggregate classification.

Dr. Peter K. Rogan Lab, Western University
No classification provided (evidence only). Condition: Thyroid cancer, nonmedullary, 1. Review status: no classification provided. Collection method: in vitro. Allele origin: not applicable. Functional consequence: retained intron. Not counted in ClinVar's aggregate classification.